The following is an entry in ClinVar:

NM_000053.4(ATP7B):c.2892del (p.Glu965fs)

Gene: ATP7B (ATPase copper transporting beta; minus strand). Cytogenetic location: 13q14.3.
Variant type: Deletion.
Coding change: c.2892del on transcript NM_000053.4 (MANE Select); coding-DNA position 2892, one base deleted (A; older notation c.2892delA).
Protein change: p.Glu965fs; shifts the reading frame from glutamic acid 965.
Molecular consequence: frameshift variant.
Genome position (GRCh38, 1-based): chr13:51,946,452, T deleted on the plus strand (A on the coding strand, the reverse complement: ATP7B is on the minus strand). VCF-style (leftmost placement, unchanged base first): chr13-51946451-CT-C. GRCh37 (hg19) VCF-style: chr13-52520587-CT-C.
Other names: c.2271del, p.Glu758fs (NM_001005918.3); c.2559del, p.Glu854fs (NM_001243182.2); c.2658del, p.Glu887fs (NM_001330578.2); c.2640del, p.Glu881fs (NM_001330579.2); short protein forms E758fs, E854fs, E887fs, E881fs, E965fs.
Identifiers: ClinVar variation 1375727 (VCV001375727.6), dbSNP rs2139062378, ClinGen allele CA2573149711.

ClinVar aggregate classification (germline): Pathogenic (1 of 4 stars; one submission).

Conditions:
Wilson disease (WND). Also called: Wilson's disease. Identifiers: Orphanet 905, MedGen C0019202, MONDO:0010200, OMIM 277900. Disease mechanism: loss of function.

Allele frequency attached by ClinVar (database versions not stated): gnomAD exomes below 0.00001.

Submission:

Labcorp Genetics (formerly Invitae), Labcorp
Classification: Pathogenic for Wilson disease. Last evaluated: 2021-03-25. Review status: criteria provided, single submitter. Criteria: Invitae Variant Classification Sherloc (09022015). Collection method: clinical testing. Allele origin: germline.
Comment: For these reasons, this variant has been classified as Pathogenic. This sequence change creates a premature translational stop signal (p.Glu965Argfs*2) in the ATP7B gene. It is expected to result in an absent or disrupted protein product. Loss-of-function variants in ATP7B are known to be pathogenic (PMID: 10441329, 16283883). This variant is not present in population databases (ExAC no frequency). This variant has not been reported in the literature in individuals with ATP7B-related conditions.

Literature cited by the submitters: PubMed 10441329; PubMed 16283883.